The following is an entry in ClinVar:

ClinVar aggregate classification (germline): Uncertain significance (1 of 4 stars; one submission).

Conditions:
MHC class I deficiency. Identifiers: Orphanet 34592, MedGen C6024714, MONDO:0011476.

Allele frequency attached by ClinVar (database versions not stated): gnomAD exomes below 0.00001 and 0.00002; gnomAD 0.00001; TOPMed 0.00001; ExAC 0.00001.

Submission:

Labcorp Genetics (formerly Invitae), Labcorp
Classification: Uncertain significance for MHC class I deficiency 1. Last evaluated: 2025-08-06. Review status: criteria provided, single submitter. Criteria: Invitae Variant Classification Sherloc (09022015). Collection method: clinical testing. Allele origin: germline.
Comment: This sequence change replaces histidine, which is basic and polar, with tyrosine, which is neutral and polar, at codon 69 of the TAPBP protein (p.His69Tyr). This variant is present in population databases (rs775934762, gnomAD 0.004%). This variant has not been reported in the literature in individuals affected with TAPBP-related conditions. ClinVar contains an entry for this variant (Variation ID: 1468011). An algorithm developed to predict the effect of missense changes on protein structure and function outputs the following: PolyPhen-2: "Benign". The tyrosine amino acid residue is found in multiple mammalian species, which suggests that this missense change does not adversely affect protein function. In summary, the available evidence is currently insufficient to determine the role of this variant in disease. Therefore, it has been classified as a Variant of Uncertain Significance.

NM_003190.5(TAPBP):c.205C>T (p.His69Tyr)

Gene: TAPBP (TAP binding protein; minus strand). Cytogenetic location: 6p21.32.
Variant type: single nucleotide variant.
Coding change: c.205C>T on transcript NM_003190.5 (MANE Select); coding-DNA position 205, C replaced by T.
Protein change: p.His69Tyr; replaces histidine 69 with tyrosine.
Molecular consequence: missense variant.
Genome position (GRCh38, 1-based): chr6:33,313,697, G>A on the plus strand (C>T on the coding strand, the complement: TAPBP is on the minus strand). VCF-style: chr6-33313697-G-A. GRCh37 (hg19) VCF-style: chr6-33281474-G-A.
Other names: c.205C>T, p.His69Tyr (NM_172208.3, NM_172209.3); short protein forms H69Y.
Identifiers: ClinVar variation 1468011 (VCV001468011.8), dbSNP rs775934762, ClinGen allele CA3755945.